The following is an entry in ClinVar:

NM_015164.4(PLEKHM2):c.2335C>T (p.His779Tyr)

Gene: PLEKHM2 (pleckstrin homology and RUN domain containing M2; plus strand). Cytogenetic location: 1p36.21.
Variant type: single nucleotide variant.
Coding change: c.2335C>T on transcript NM_015164.4 (MANE Select); coding-DNA position 2335, C replaced by T.
Protein change: p.His779Tyr; replaces histidine 779 with tyrosine.
Molecular consequence: missense variant.
Genome position (GRCh38, 1-based): chr1:15,730,658, C>T. VCF-style: chr1-15730658-C-T. GRCh37 (hg19) VCF-style: chr1-16057153-C-T.
Other names: c.2275C>T, p.His759Tyr (NM_001410755.1); short protein forms H779Y, H759Y.
Identifiers: ClinVar variation 2991488 (VCV002991488.3), dbSNP rs2522465686, ClinGen allele CA338571147.

ClinVar aggregate classification (germline): Uncertain significance (1 of 4 stars; one submission).

Allele frequency attached by ClinVar (database versions not stated): gnomAD exomes below 0.00001.
gnomAD v4.1: 2 of 1,610,154 alleles (0.00012%); highest among the groups gnomAD compares: Non-Finnish European, 0.000085%; no homozygotes.

Submission:

Labcorp Genetics (formerly Invitae), Labcorp
Classification: Uncertain significance. Last evaluated: 2023-02-22. Review status: criteria provided, single submitter. Criteria: Invitae Variant Classification Sherloc (09022015). Collection method: clinical testing. Allele origin: germline.
Comment: In summary, the available evidence is currently insufficient to determine the role of this variant in disease. Therefore, it has been classified as a Variant of Uncertain Significance. An algorithm developed to predict the effect of missense changes on protein structure and function (PolyPhen-2) suggests that this variant is likely to be tolerated. This variant has not been reported in the literature in individuals affected with PLEKHM2-related conditions. This variant is not present in population databases (gnomAD no frequency). This sequence change replaces histidine, which is basic and polar, with tyrosine, which is neutral and polar, at codon 779 of the PLEKHM2 protein (p.His779Tyr).